The following is an entry in ClinVar:

NM_001374828.1(ARID1B):c.5156C>T (p.Pro1719Leu)

Gene: ARID1B (AT-rich interaction domain 1B; plus strand). Cytogenetic location: 6q25.3.
Variant type: single nucleotide variant.
Coding change: c.5156C>T on transcript NM_001374828.1 (MANE Select); coding-DNA position 5156, C replaced by T.
Protein change: p.Pro1719Leu; replaces proline 1719 with leucine.
Molecular consequence: missense variant.
Genome position (GRCh38, 1-based): chr6:157,201,381, C>T. VCF-style: chr6-157201381-C-T. GRCh37 (hg19) VCF-style: chr6-157522515-C-T.
Other names: c.2657C>T, p.Pro886Leu (NM_001363725.2); c.5036C>T, p.Pro1679Leu (NM_001371656.1, NM_001374820.1); c.4997C>T, p.Pro1666Leu (NM_017519.3); c.4787C>T (NM_020732.3); short protein forms P1666L, P1679L, P1719L, P886L.
Identifiers: ClinVar variation 4057085 (VCV004057085.1).

ClinVar aggregate classification (germline): Uncertain significance (1 of 4 stars; one submission).

gnomAD v4.1: 1 of 1,604,018 alleles (0.000062%); highest among the groups gnomAD compares: Non-Finnish European, 0.000085%; no homozygotes.

Submission:

GeneDx
Classification: Uncertain significance. Last evaluated: 2025-01-08. Review status: criteria provided, single submitter. Criteria: GeneDx Variant Classification Process June 2021. Collection method: clinical testing. Allele origin: germline. Affected: yes.
Comment: Not observed at significant frequency in large population cohorts (gnomAD); In silico analysis supports that this missense variant has a deleterious effect on protein structure/function; Has not been previously published as pathogenic or benign to our knowledge